The following is an entry in ClinVar:

ClinVar aggregate classification (germline): Uncertain significance. Review status: criteria provided, multiple submitters, no conflicts (2 of 4 stars). 2 submissions from 2 submitters: Uncertain significance (2). Last evaluated 2025-05-27.

Conditions:
Hereditary nonpolyposis colorectal neoplasms. Identifiers: MedGen C0009405, MeSH D003123.
Hereditary cancer-predisposing syndrome. Also called: Tumor predisposition; Hereditary Cancer Syndrome; Hereditary neoplastic syndrome; Neoplastic Syndromes, Hereditary. Identifiers: Orphanet 140162, MedGen C0027672, MeSH D009386, MONDO:0015356.

Submissions (2):

Ambry Genetics
Classification: Uncertain significance for Hereditary cancer-predisposing syndrome. Last evaluated: 2025-05-27. Review status: criteria provided, single submitter. Criteria: Ambry Variant Classification Scheme 2023. Collection method: clinical testing. Allele origin: germline.
Comment: The c.1087_1089dupACT variant (also known as p.T363dup), located in coding exon 4 of the MSH6 gene, results from an in-frame duplication of ACT at nucleotide positions 1087 to 1089. This results in the duplication of an extra residue between codons 363 and 364. This amino acid position is not well conserved in available vertebrate species. In addition, the in silico prediction for this alteration is inconclusive (Choi Y et al. PLoS ONE. 2012; 7(10):e46688). Since supporting evidence is limited at this time, the clinical significance of this alteration remains unclear.

Labcorp Genetics (formerly Invitae), Labcorp
Classification: Uncertain significance for Hereditary nonpolyposis colorectal neoplasms. Last evaluated: 2022-10-04. Review status: criteria provided, single submitter. Criteria: Invitae Variant Classification Sherloc (09022015). Collection method: clinical testing. Allele origin: germline.
Comment: In summary, the available evidence is currently insufficient to determine the role of this variant in disease. Therefore, it has been classified as a Variant of Uncertain Significance. Experimental studies and prediction algorithms are not available or were not evaluated, and the functional significance of this variant is currently unknown. ClinVar contains an entry for this variant (Variation ID: 410396). This variant has not been reported in the literature in individuals affected with MSH6-related conditions. This variant is not present in population databases (gnomAD no frequency). This variant, c.1087_1089dup, results in the insertion of 1 amino acid(s) of the MSH6 protein (p.Thr363dup), but otherwise preserves the integrity of the reading frame.

NM_000179.3(MSH6):c.1087_1089dup (p.Thr363dup)

Gene: MSH6 (mutS homolog 6; plus strand). Cytogenetic location: 2p16.3.
Variant type: Duplication.
Coding change: c.1087_1089dup on transcript NM_000179.3 (MANE Select); coding-DNA positions 1087 to 1089, 3 bases duplicated (ACT; older notation c.1087_1089dupACT).
Protein change: p.Thr363dup; duplicates threonine 363.
Molecular consequence: inframe insertion.
Genome position (GRCh38, 1-based): chr2:47,799,070-47,799,072, ACT duplicated; duplicating any 3 consecutive bases within chr2:47,799,068-47,799,072 gives the same sequence; the c. name uses the placement nearest the transcript's 3' end. VCF-style (leftmost placement, unchanged base first): chr2-47799067-C-CCTA. GRCh37 (hg19) VCF-style: chr2-48026206-C-CCTA.
Other names: c.697_699dup, p.Thr233dup (NM_001281492.2); c.181_183dup, p.Thr61dup (NM_001281493.2, NM_001281494.2); c.1087_1089dupACT (NM_000179.2).
Identifiers: ClinVar variation 410396 (VCV000410396.12), dbSNP rs1060502874, ClinGen allele CA16610876.